The following is an entry in ClinVar:

ClinVar aggregate classification (germline): Likely benign. Review status: criteria provided, multiple submitters, no conflicts (2 of 4 stars). 3 submissions from 3 submitters: Likely benign (3). Last evaluated 2025-12-08.

Conditions:
Autosomal recessive limb-girdle muscular dystrophy type 2O. Also called: Limb-Girdle Muscular Dystrophy Type 3C; MUSCULAR DYSTROPHY-DYSTROGLYCANOPATHY (LIMB-GIRDLE), TYPE C, 3; MUSCULAR DYSTROPHY-DYSTROGLYCANOPATHY, LIMB-GIRDLE, POMGNT1-RELATED. Identifiers: Orphanet 206564, MedGen C3150417, MONDO:0013161, OMIM 613157.
Muscular dystrophy-dystroglycanopathy (congenital with impaired intellectual development), type B, 3. Also called: Muscular dystrophy-dystroglycanopathy (congenital with intellectual disability), type B3; MUSCULAR DYSTROPHY, CONGENITAL, POMGNT1-RELATED. Identifiers: MedGen C3150412, MONDO:0013155, OMIM 613151.

Allele frequency attached by ClinVar (database versions not stated): gnomAD 0.00001; gnomAD exomes below 0.00001 and 0.00004; ExAC 0.00001; TOPMed 0.00002.
gnomAD v4.1: 61 of 1,613,140 alleles (0.0038%); highest among the groups gnomAD compares: Non-Finnish European, 0.0052%; no homozygotes.

Submissions (4):

Labcorp Genetics (formerly Invitae), Labcorp
Classification: Likely benign for Autosomal recessive limb-girdle muscular dystrophy type 2O; Muscular dystrophy-dystroglycanopathy (congenital with impaired intellectual development), type B, 3. Last evaluated: 2025-12-08. Review status: criteria provided, single submitter. Criteria: Invitae Variant Classification Sherloc (09022015). Collection method: clinical testing. Allele origin: germline.

Blueprint Genetics
Classification: Likely benign. Last evaluated: 2022-10-04. Review status: criteria provided, single submitter. Criteria: ACMG Guidelines, 2015. Collection method: clinical testing. Allele origin: germline.

GeneDx
Classification: Likely benign. Last evaluated: 2017-01-30. Review status: criteria provided, single submitter. Criteria: GeneDx Variant Classification (06012015). Collection method: clinical testing. Allele origin: germline. Affected: yes.
Comment: This variant is considered likely benign or benign based on one or more of the following criteria: it is a conservative change, it occurs at a poorly conserved position in the protein, it is predicted to be benign by multiple in silico algorithms, and/or has population frequency not consistent with disease.

Dr. Peter K. Rogan Lab, Western University
No classification provided (evidence only). Condition: Ovarian serous cystadenocarcinoma. Review status: no classification provided. Collection method: in vitro. Allele origin: not applicable. Functional consequence: skipped exon, retained intron. Not counted in ClinVar's aggregate classification.

NM_017739.4(POMGNT1):c.535-14C>G

Genes: POMGNT1 (protein O-linked mannose N-acetylglucosaminyltransferase 1 (beta 1,2-); minus strand), TSPAN1 (tetraspanin 1; plus strand). Cytogenetic location: 1p34.1.
Variant type: single nucleotide variant.
Coding change: c.535-14C>G on transcript NM_017739.4 (MANE Select); 14 bases into the intron before coding-DNA position 535, C replaced by G.
Molecular consequence: intron variant.
Genome position (GRCh38, 1-based): chr1:46,194,975, G>C on the plus strand (C>G on the coding strand, the complement: POMGNT1 is on the minus strand). VCF-style: chr1-46194975-G-C. GRCh37 (hg19) VCF-style: chr1-46660647-G-C.
Other names: c.535-14C>G (NM_001243766.2, NM_001438686.1, NM_001438688.1 and 3 more transcripts); c.469-14C>G (NM_001290129.3, NM_001438691.1, NM_001438692.1); c.106-14C>G (NM_001290130.2).
Identifiers: ClinVar variation 507034 (VCV000507034.8), dbSNP rs778926136, ClinGen allele CA833692.
Genomic context (GRCh38, chr1:46,194,975, plus strand): 5'-CTCAGCAGAGCCTTGGCTGTGTCCTTGAGGTGGAAGGAGCCCTCATCCTGGGGGACCAGA[G>C]AAGGCAGTTAGCCTGACTGGCATGGTTCCAGGAGACCTGGCCTCACAGAGCACGAACTAT-3'